The following is an entry in ClinVar:

ClinVar aggregate classification (germline): Uncertain significance. Review status: criteria provided, multiple submitters, no conflicts (2 of 4 stars). 2 submissions from 2 submitters: Uncertain significance (2). Last evaluated 2022-12-30.

Conditions:
Spinocerebellar ataxia, autosomal recessive, with axonal neuropathy 1 (SCAN1). Identifiers: Orphanet 94124, MedGen C4759870, MONDO:0011801, OMIM 607250.

Allele frequency attached by ClinVar (database versions not stated): gnomAD 0.00004.
gnomAD v4.1: 58 of 1,611,930 alleles (0.0036%); highest among the groups gnomAD compares: Middle Eastern, 0.033%; no homozygotes.

Submissions (2):

Athena Diagnostics
Classification: Uncertain significance. Last evaluated: 2022-12-30. Review status: criteria provided, single submitter. Criteria: Athena Diagnostics Criteria. Collection method: clinical testing. Allele origin: unknown.
Comment: Available data are insufficient to determine the clinical significance of the variant at this time. The frequency of this variant in the general population is uninformative in assessment of its pathogenicity. Computational tools predict that this variant is damaging.

Illumina Laboratory Services, Illumina
Classification: Uncertain significance for Spinocerebellar ataxia, autosomal recessive, with axonal neuropathy 1. Last evaluated: 2018-01-13. Review status: criteria provided, single submitter. Criteria: ICSL Variant Classification Criteria 13 December 2019. Collection method: clinical testing. Allele origin: germline.

NM_018319.4(TDP1):c.757G>A (p.Ala253Thr)

Gene: TDP1 (tyrosyl-DNA phosphodiesterase 1; plus strand). Cytogenetic location: 14q32.11.
Variant type: single nucleotide variant.
Coding change: c.757G>A on transcript NM_018319.4 (MANE Select); coding-DNA position 757, G replaced by A.
Protein change: p.Ala253Thr; replaces alanine 253 with threonine.
Molecular consequence: missense variant.
Genome position (GRCh38, 1-based): chr14:89,975,781, G>A. VCF-style: chr14-89975781-G-A. GRCh37 (hg19) VCF-style: chr14-90442125-G-A.
Other names: c.757G>A, p.Ala253Thr (NM_001008744.2, NM_001330205.2); short protein forms A253T.
Identifiers: ClinVar variation 886996 (VCV000886996.7), dbSNP rs202165305, ClinGen allele CA7303714.
Genomic context (GRCh38, chr14:89,975,781, plus strand): 5'-TCCAGTAGATATGGATATTAGTGAGTTGTTTTTAAATAAATGACTTCTTTTTCATCCTAG[G>A]CAAAGTTGGATATTGCGTTTGGAACACACCACACGTAAGCACTTTTTGTGAAATAGGGGA-3'
Protein context (NP_060789.2, residues 243-263): KPYENISLCQ[Ala253Thr]KLDIAFGTHH